The following is an entry in ClinVar:

ClinVar aggregate classification (germline): Uncertain significance (1 of 4 stars; one submission).

Conditions:
Cohen syndrome (COH1). Also called: Cutis verticis gyrata, retinitis pigmentosa, and sensorineural deafness; PEPPER SYNDROME. Identifiers: Orphanet 193, MedGen C0265223, MONDO:0008999, OMIM 216550.

Submission:

Labcorp Genetics (formerly Invitae), Labcorp
Classification: Uncertain significance for Cohen syndrome. Last evaluated: 2022-06-07. Review status: criteria provided, single submitter. Criteria: Invitae Variant Classification Sherloc (09022015). Collection method: clinical testing. Allele origin: germline.
Comment: In summary, the available evidence is currently insufficient to determine the role of this variant in disease. Therefore, it has been classified as a Variant of Uncertain Significance. Algorithms developed to predict the effect of missense changes on protein structure and function are either unavailable or do not agree on the potential impact of this missense change (SIFT: "Not Available"; PolyPhen-2: "Possibly Damaging"; Align-GVGD: "Not Available"). This variant has not been reported in the literature in individuals affected with VPS13B-related conditions. This variant is not present in population databases (gnomAD no frequency). This sequence change replaces lysine, which is basic and polar, with glutamic acid, which is acidic and polar, at codon 2419 of the VPS13B protein (p.Lys2419Glu).

NM_152564.5(VPS13B):c.7180A>G (p.Lys2394Glu)

Gene: VPS13B (vacuolar protein sorting 13 homolog B; plus strand). Cytogenetic location: 8q22.2.
Variant type: single nucleotide variant.
Coding change: c.7180A>G on transcript NM_152564.5 (MANE Select); coding-DNA position 7180, A replaced by G.
Protein change: p.Lys2394Glu; replaces lysine 2394 with glutamic acid.
Molecular consequence: missense variant.
Genome position (GRCh38, 1-based): chr8:99,766,903, A>G. VCF-style: chr8-99766903-A-G. GRCh37 (hg19) VCF-style: chr8-100779131-A-G.
Other names: c.7255A>G, p.Lys2419Glu (NM_017890.5); short protein forms K2394E, K2419E.
Identifiers: ClinVar variation 1931083 (VCV001931083.5), dbSNP rs1057516660, ClinGen allele CA371874407.